The following is an entry in ClinVar:

ClinVar aggregate classification (germline): Uncertain significance (1 of 4 stars; one submission).

Submission:

GeneDx
Classification: Uncertain significance. Last evaluated: 2021-10-25. Review status: criteria provided, single submitter. Criteria: GeneDx Variant Classification Process June 2021. Collection method: clinical testing. Allele origin: germline. Affected: yes.
Comment: Not observed at significant frequency in large population cohorts (Lek et al., 2016); In silico analysis supports a deleterious effect on protein structure/function; In-frame deletion of 5 amino acids in a repetitive region with no known function; Has not been previously published as pathogenic or benign to our knowledge

NM_181882.3(PRX):c.1911_1925del (p.Glu638_Pro642del)

Gene: PRX (periaxin; minus strand). Cytogenetic location: 19q13.2.
Variant type: Deletion.
Coding change: c.1911_1925del on transcript NM_181882.3 (MANE Select); coding-DNA positions 1911 to 1925, 15 bases deleted (TGAGGTGAAACTCCC).
Protein change: p.Glu638_Pro642del.
Molecular consequence: inframe deletion. On other transcripts: 3 prime UTR variant (1).
Genome position (GRCh38, 1-based): chr19:40,396,427-40,396,441, GGGAGTTTCACCTCA deleted on the plus strand (TGAGGTGAAACTCCC on the coding strand, the reverse complement: PRX is on the minus strand); deleting any 15 consecutive bases within chr19:40,396,427-40,396,451 gives the same sequence; the c. name uses the placement nearest the transcript's 3' end. VCF-style (leftmost placement, unchanged base first): chr19-40396426-CGGGAGTTTCACCTCA-C. GRCh37 (hg19) VCF-style: chr19-40902333-CGGGAGTTTCACCTCA-C.
Other names: c.*2116_*2130del (NM_020956.2); c.1911_1925delTGAGGTGAAACTCCC (NM_181882.2).
Identifiers: ClinVar variation 449754 (VCV000449754.4), dbSNP rs759376968, ClinGen allele CA9444169.